The following is an entry in ClinVar:

NM_001042492.3(NF1):c.4697_4701del (p.Ser1566fs)

Gene: NF1 (neurofibromin 1; plus strand). Cytogenetic location: 17q11.2.
Variant type: Deletion.
Coding change: c.4697_4701del on transcript NM_001042492.3 (MANE Select); coding-DNA positions 4697 to 4701, 5 bases deleted (GTTCA; older notation c.4697_4701delGTTCA).
Protein change: p.Ser1566fs; shifts the reading frame from serine 1566.
Molecular consequence: frameshift variant.
Genome position (GRCh38, 1-based): chr17:31,261,830-31,261,834, GTTCA deleted; deleting any 5 consecutive bases within chr17:31,261,828-31,261,834 gives the same sequence; the c. name uses the placement nearest the transcript's 3' end. VCF-style (leftmost placement, unchanged base first): chr17-31261827-CCAGTT-C. GRCh37 (hg19) VCF-style: chr17-29588845-CCAGTT-C.
Other names: c.4697_4701del5 (NM_001042492.2); c.4634_4638delGTTCA, p.Ser1545Lysfs (NM_000267.4); short protein forms S1545fs, S1566fs.
Identifiers: ClinVar variation 2631576 (VCV002631576.3), dbSNP rs2508430656, ClinGen allele CA2695201274.
Genomic context (GRCh38, chr17:31,261,827, plus strand): 5'-ACCTGGGTCCTCCAGAGCACAAACCTGTGGCAGATACACACTGGTCCAGCCTTAACCTTA[CCAGTT>C]CAAAGTTTGAGGAATTTATGACTAGGTAAAGTACAACCTTGAAATAGTTGATTGCTTTCT-3'

ClinVar aggregate classification (germline): Pathogenic. Review status: criteria provided, multiple submitters, no conflicts (2 of 4 stars). 2 submissions from 2 submitters: Pathogenic (2). Last evaluated 2024-03-25.

Conditions:
NF1-related disorder. Also called: NF1-related condition. Identifiers: MedGen CN379171.
Neurofibromatosis, type 1 (NF1). Also called: VON RECKLINGHAUSEN DISEASE; NEUROFIBROMATOSIS, TYPE I, SOMATIC; Peripheral type neurofibromatosis; Neurofibromatosis, type I. Identifiers: Orphanet 636, MedGen C0027831, MONDO:0018975, OMIM 162200. Disease mechanism: loss of function.

Submissions (2):

Labcorp Genetics (formerly Invitae), Labcorp
Classification: Pathogenic for Neurofibromatosis, type 1. Last evaluated: 2024-03-25. Review status: criteria provided, single submitter. Criteria: Invitae Variant Classification Sherloc (09022015). Collection method: clinical testing. Allele origin: germline.
Comment: This sequence change creates a premature translational stop signal (p.Ser1545Lysfs*3) in the NF1 gene. It is expected to result in an absent or disrupted protein product. Loss-of-function variants in NF1 are known to be pathogenic (PMID: 10712197, 23913538). This variant is not present in population databases (gnomAD no frequency). This variant has not been reported in the literature in individuals affected with NF1-related conditions. ClinVar contains an entry for this variant (Variation ID: 2631576). Algorithms developed to predict the effect of sequence changes on RNA splicing suggest that this variant may disrupt the consensus splice site. For these reasons, this variant has been classified as Pathogenic.

PreventionGenetics, part of Exact Sciences
Classification: Pathogenic for NF1-related condition. Last evaluated: 2023-07-18. Review status: criteria provided, single submitter. Criteria: ACMG Guidelines, 2015. Collection method: clinical testing. Allele origin: germline.
Comment: The NF1 c.4697_4701del5 variant is predicted to result in a frameshift and premature protein termination (p.Ser1566Lysfs*3). To our knowledge, this variant has not been reported in the literature or in a large population database, indicating this variant is rare. Frameshift variants in NF1 are expected to be pathogenic. This variant is interpreted as pathogenic.

Literature cited by the submitters: PubMed 10712197 (cited by Labcorp Genetics (formerly Invitae), Labcorp); PubMed 23913538 (cited by Labcorp Genetics (formerly Invitae), Labcorp).